The following is an entry in ClinVar:

ClinVar aggregate classification (germline): Uncertain significance (1 of 4 stars; one submission).

Conditions:
Cenani-Lenz syndactyly syndrome. Also called: CENANI SYNDACTYLISM; SYNDACTYLY, TYPE VII. Identifiers: Orphanet 3258, MedGen C1859309, MONDO:0008931, OMIM 212780.
Congenital myasthenic syndrome 17. Identifiers: Orphanet 590, MedGen C4225377, MONDO:0014578, OMIM 616304.
Sclerosteosis 2 (SOST2). Identifiers: Orphanet 3152, MedGen C3280402, MONDO:0013679, OMIM 614305.

gnomAD v4.1: 1 of 1,614,122 alleles (0.000062%); highest among the groups gnomAD compares: Non-Finnish European, 0.000085%; no homozygotes.

Submission:

Labcorp Genetics (formerly Invitae), Labcorp
Classification: Uncertain significance for Cenani-Lenz syndactyly syndrome; Sclerosteosis 2; Congenital myasthenic syndrome 17. Last evaluated: 2022-05-27. Review status: criteria provided, single submitter. Criteria: Invitae Variant Classification Sherloc (09022015). Collection method: clinical testing. Allele origin: germline.
Comment: In summary, the available evidence is currently insufficient to determine the role of this variant in disease. Therefore, it has been classified as a Variant of Uncertain Significance. Algorithms developed to predict the effect of missense changes on protein structure and function are either unavailable or do not agree on the potential impact of this missense change (SIFT: "Deleterious"; PolyPhen-2: "Possibly Damaging"; Align-GVGD: "Class C15"). This variant has not been reported in the literature in individuals affected with LRP4-related conditions. This variant is not present in population databases (gnomAD no frequency). This sequence change replaces threonine, which is neutral and polar, with isoleucine, which is neutral and non-polar, at codon 1184 of the LRP4 protein (p.Thr1184Ile).

NM_002334.4(LRP4):c.3551C>T (p.Thr1184Ile)

Gene: LRP4 (LDL receptor related protein 4; minus strand). Cytogenetic location: 11p11.2.
Variant type: single nucleotide variant.
Coding change: c.3551C>T on transcript NM_002334.4 (MANE Select); coding-DNA position 3551, C replaced by T.
Protein change: p.Thr1184Ile; replaces threonine 1184 with isoleucine.
Molecular consequence: missense variant.
Genome position (GRCh38, 1-based): chr11:46,875,952, G>A on the plus strand (C>T on the coding strand, the complement: LRP4 is on the minus strand). VCF-style: chr11-46875952-G-A. GRCh37 (hg19) VCF-style: chr11-46897503-G-A.
Other names: short protein forms T1184I.
Identifiers: ClinVar variation 1437448 (VCV001437448.8), dbSNP rs2134798449, ClinGen allele CA380273651.